The following is an entry in ClinVar:

ClinVar aggregate classification (germline): Uncertain significance (1 of 4 stars; one submission).

Submission:

GeneDx
Classification: Uncertain significance. Last evaluated: 2020-01-06. Review status: criteria provided, single submitter. Criteria: GeneDx Variant Classification Process June 2021. Collection method: clinical testing. Allele origin: germline. Affected: yes.
Comment: Not observed in large population cohorts (Lek et al., 2016); In silico analysis, which includes protein predictors and evolutionary conservation, supports that this variant does not alter protein structure/function; Has not been previously published as pathogenic or benign to our knowledge

NM_001378120.1(MBD5):c.1708A>G (p.Asn570Asp)

Gene: MBD5 (methyl-CpG binding domain protein 5; plus strand). Cytogenetic location: 2q23.1.
Variant type: single nucleotide variant.
Coding change: c.1708A>G on transcript NM_001378120.1 (MANE Select); coding-DNA position 1708, A replaced by G.
Protein change: p.Asn570Asp; replaces asparagine 570 with aspartic acid.
Molecular consequence: missense variant.
Genome position (GRCh38, 1-based): chr2:148,469,651, A>G. VCF-style: chr2-148469651-A-G. GRCh37 (hg19) VCF-style: chr2-149227220-A-G.
Other names: c.1708A>G, p.Asn570Asp (NM_018328.5); short protein forms N570D.
Identifiers: ClinVar variation 1311984 (VCV001311984.2), dbSNP rs890777200, ClinGen allele CA348720266.